The following is an entry in ClinVar:

ClinVar aggregate classification (germline): Likely benign. Review status: criteria provided, single submitter (1 of 4 stars). 2 submissions from 2 submitters: Likely benign (1). 1 of the submissions does not count toward it. Last evaluated 2025-09-16.

Conditions:
TM4SF20-related disorder. Also called: TM4SF20-related condition.

Allele frequency attached by ClinVar (database versions not stated): gnomAD exomes 0.00005; TOPMed 0.00005; ExAC 0.00007; ESP Exome Variant Server 0.00008; 1000 Genomes Project 0.00020.
gnomAD v4.1: 112 of 1,613,850 alleles (0.0069%); highest among the groups gnomAD compares: South Asian, 0.016%; no homozygotes.

Submissions (2):

Labcorp Genetics (formerly Invitae), Labcorp
Classification: Likely benign. Last evaluated: 2025-09-16. Review status: criteria provided, single submitter. Criteria: Invitae Variant Classification Sherloc (09022015). Collection method: clinical testing. Allele origin: germline.

PreventionGenetics, part of Exact Sciences
Classification: Likely benign for TM4SF20-related condition. Last evaluated: 2019-06-17. Review status: no assertion criteria provided. Collection method: clinical testing. Allele origin: germline. Not counted in ClinVar's aggregate classification.
Comment: This variant is classified as likely benign based on ACMG/AMP sequence variant interpretation guidelines (Richards et al. 2015 PMID: 25741868, with internal and published modifications).

NM_024795.4(TM4SF20):c.12C>T (p.Cys4=)

Gene: TM4SF20 (transmembrane 4 L six family member 20; minus strand). Cytogenetic location: 2q36.3.
Variant type: single nucleotide variant.
Coding change: c.12C>T on transcript NM_024795.4 (MANE Select); coding-DNA position 12, C replaced by T.
Protein change: p.Cys4=; no amino-acid change (cysteine 4 retained).
Molecular consequence: synonymous variant.
Genome position (GRCh38, 1-based): chr2:227,379,257, G>A on the plus strand (C>T on the coding strand, the complement: TM4SF20 is on the minus strand). VCF-style: chr2-227379257-G-A. GRCh37 (hg19) VCF-style: chr2-228243973-G-A.
Identifiers: ClinVar variation 1546140 (VCV001546140.10), dbSNP rs376052845, ClinGen allele CA2148343.